The following is an entry in ClinVar:

ClinVar aggregate classification (germline): Benign. Review status: criteria provided, multiple submitters, no conflicts (2 of 4 stars). 3 submissions from 3 submitters: Benign (3). Last evaluated 2024-07-15.

Allele frequency attached by ClinVar (database versions not stated): gnomAD exomes 0.23896; 1000 Genomes Project 0.29792; gnomAD 0.31127 and 0.31836; 1000 Genomes Project 30x 0.31152; TOPMed 0.33022.
gnomAD v4.1: 250,021 of 1,000,582 alleles (25%); highest among the groups gnomAD compares: African/African-American, 51%; 35,245 homozygotes.

Submissions (3):

Unidad de Genómica Garrahan, Hospital de Pediatría Garrahan
Classification: Benign. Last evaluated: 2024-07-15. Review status: criteria provided, single submitter. Criteria: ACMG Guidelines, 2015. Collection method: clinical testing. Allele origin: germline. Affected: no. Observed: 53 variant alleles.
Comment: This variant is classified as Benign based on local population frequency. This variant was detected in 57% of patients studied in a panel designed for Epileptic and Developmental Encephalopathy and Progressive Myoclonus Epilepsy. Number of patients: 53. Only high quality variants are reported.

GeneDx
Classification: Benign. Last evaluated: 2020-11-24. Review status: criteria provided, single submitter. Criteria: GeneDx Variant Classification Process June 2021. Collection method: clinical testing. Allele origin: germline. Affected: yes.

Breakthrough Genomics
Classification: Benign. Review status: criteria provided, single submitter. Criteria: ACMG Guidelines, 2015. Collection method: not provided. Allele origin: germline. Inheritance: Autosomal recessive inheritance. Affected: yes.

NM_015192.4(PLCB1):c.464+75C>T

Gene: PLCB1 (phospholipase C beta 1; plus strand). Cytogenetic location: 20p12.3.
Variant type: single nucleotide variant.
Coding change: c.464+75C>T on transcript NM_015192.4 (MANE Select); 75 bases into the intron after coding-DNA position 464, C replaced by T.
Molecular consequence: intron variant.
Genome position (GRCh38, 1-based): chr20:8,646,256, C>T. VCF-style: chr20-8646256-C-T. GRCh37 (hg19) VCF-style: chr20-8626903-C-T.
Other names: c.464+75C>T (NM_182734.3).
Identifiers: ClinVar variation 1295424 (VCV001295424.5), dbSNP rs1018443, ClinGen allele CA14847077.